The following is an entry in ClinVar:

ClinVar aggregate classification (germline): Pathogenic. Review status: criteria provided, single submitter (1 of 4 stars). 2 submissions from 2 submitters: Pathogenic (1). 1 of the submissions does not count toward it. Last evaluated 2017-01-20.

Conditions:
ATP6V0A4-related disorder. Also called: ATP6V0A4-related condition.

Submissions (2):

GeneDx
Classification: Pathogenic. Last evaluated: 2017-01-20. Review status: criteria provided, single submitter. Criteria: GeneDx Variant Classification (06012015). Collection method: clinical testing. Allele origin: germline. Affected: yes.
Comment: The c.1006_1007delAA variant in the ATP6V0A4 gene has not been reported previously as a pathogenic variant nor as a benign variant, to our knowledge. The c.1006_1007delAA variant causes a frameshift starting with codon Lysine 336, changes this amino acid to a Glutamic Acid residue, and creates a premature Stop codon at position 24 of the new reading frame, denoted p.Lys336GlufsX24. This variant is predicted to cause loss of normal protein function either through protein truncation or nonsense-mediated mRNA decay. The c.1006_1007delAA variant was not observed in approximately 6500 individuals of European and African American ancestry in the NHLBI Exome Sequencing Project, indicating it is not a common benign variant in these populations. We interpret c.1006_1007delAA as a pathogenic variant.

PreventionGenetics, part of Exact Sciences
Classification: Pathogenic for ATP6V0A4-related condition. Last evaluated: 2024-08-01. Review status: no assertion criteria provided. Collection method: clinical testing. Allele origin: germline. Not counted in ClinVar's aggregate classification.
Comment: The ATP6V0A4 c.1006_1007delAA variant is predicted to result in a frameshift and premature protein termination (p.Lys336Glufs*24). This variant was reported as likely pathogenic in an individual with distal renal tubular acidosis, nephrocalcinosis, and high oxalate in urine (Supplementary Tables 1 and 3. Al-Dewik et al. 2019. PubMed ID: 30919572). This variant has not been reported in gnomAD, indicating this variant is rare. Frameshift variants in ATP6V0A4 are expected to be pathogenic. This variant is interpreted as pathogenic.

NM_020632.3(ATP6V0A4):c.1006_1007del (p.Lys336fs)

Gene: ATP6V0A4 (ATPase H+ transporting V0 subunit a4; minus strand). Cytogenetic location: 7q34.
Variant type: Deletion.
Coding change: c.1006_1007del on transcript NM_020632.3 (MANE Select); coding-DNA positions 1006 to 1007, 2 bases deleted (AA; older notation c.1006_1007delAA).
Protein change: p.Lys336fs; shifts the reading frame from lysine 336.
Molecular consequence: frameshift variant.
Genome position (GRCh38, 1-based): chr7:138,752,647-138,752,648, TT deleted on the plus strand (AA on the coding strand, the reverse complement: ATP6V0A4 is on the minus strand). VCF-style (leftmost placement, unchanged base first): chr7-138752646-CTT-C. GRCh37 (hg19) VCF-style: chr7-138437391-CTT-C.
Other names: c.1006_1007del, p.Lys336fs (NM_130840.3, NM_130841.3); short protein forms K336fs.
Identifiers: ClinVar variation 422991 (VCV000422991.3), dbSNP rs1064796145, ClinGen allele CA16618358.